The following is an entry in ClinVar:

ClinVar aggregate classification (germline): Uncertain significance (1 of 4 stars; one submission).

Conditions:
Inborn genetic diseases. Identifiers: MedGen C0950123, MeSH D030342.

Submission:

Ambry Genetics
Classification: Uncertain significance for Inborn genetic diseases. Last evaluated: 2024-12-15. Review status: criteria provided, single submitter. Criteria: Ambry Variant Classification Scheme 2023. Collection method: clinical testing. Allele origin: germline.
Comment: The p.D592N variant (also known as c.1774G>A), located in coding exon 1 of the SAMD9L gene, results from a G to A substitution at nucleotide position 1774. The aspartic acid at codon 592 is replaced by asparagine, an amino acid with highly similar properties. This amino acid position is conserved. In addition, this alteration is predicted to be tolerated by in silico analysis. Based on the available evidence, the clinical significance of this variant remains unclear.

NM_152703.5(SAMD9L):c.1774G>A (p.Asp592Asn)

Gene: SAMD9L (sterile alpha motif domain containing 9 like; minus strand). Cytogenetic location: 7q21.2.
Variant type: single nucleotide variant.
Coding change: c.1774G>A on transcript NM_152703.5 (MANE Select); coding-DNA position 1774, G replaced by A.
Protein change: p.Asp592Asn; replaces aspartic acid 592 with asparagine.
Molecular consequence: missense variant.
Genome position (GRCh38, 1-based): chr7:93,134,198, C>T on the plus strand (G>A on the coding strand, the complement: SAMD9L is on the minus strand). VCF-style: chr7-93134198-C-T. GRCh37 (hg19) VCF-style: chr7-92763511-C-T.
Other names: c.1774G>A, p.Asp592Asn (NM_001303496.3, NM_001303497.3, NM_001303498.3 and 5 more transcripts); short protein forms D592N.
Identifiers: ClinVar variation 3792209 (VCV003792209.1).
Genomic context (GRCh38, chr7:93,134,198, plus strand): 5'-AAGTGGAAATACTGTGGTTTGTTAGTTCATCTTCCATCTTCATTCTTGTTTGTAGTAGAT[C>T]TTTCCATCGTTGATAAATATGTGAGTTTACAGAGATACACAACATATTTTCCATTCCTTT-3'
Protein context (NP_689916.2, residues 582-602): VNSHIYQRWK[Asp592Asn]LLQTRMKMED